The following is an entry in ClinVar:

NM_004304.5(ALK):c.2965C>A (p.His989Asn)

Gene: ALK (ALK receptor tyrosine kinase; minus strand). Cytogenetic location: 2p23.2.
Variant type: single nucleotide variant.
Coding change: c.2965C>A on transcript NM_004304.5 (MANE Select); coding-DNA position 2965, C replaced by A.
Protein change: p.His989Asn; replaces histidine 989 with asparagine.
Molecular consequence: missense variant.
Genome position (GRCh38, 1-based): chr2:29,227,024, G>T on the plus strand (C>A on the coding strand, the complement: ALK is on the minus strand). VCF-style: chr2-29227024-G-T. GRCh37 (hg19) VCF-style: chr2-29449890-G-T.
Other names: short protein forms H989N.
Identifiers: ClinVar variation 3009503 (VCV003009503.3), dbSNP rs1664021582, ClinGen allele CA346467879.

ClinVar aggregate classification (germline): Uncertain significance (1 of 4 stars; one submission).

Conditions:
Neuroblastoma, susceptibility to, 3. Also called: ALK-Related Neuroblastic Tumor Susceptibility. Identifiers: Orphanet 635, MedGen C2751681, MONDO:0013083, OMIM 613014.

gnomAD v4.1: 3 of 1,614,152 alleles (0.00019%); highest among the groups gnomAD compares: South Asian, 0.0033%; no homozygotes.

Submission:

Labcorp Genetics (formerly Invitae), Labcorp
Classification: Uncertain significance for Neuroblastoma, susceptibility to, 3. Last evaluated: 2023-03-21. Review status: criteria provided, single submitter. Criteria: Invitae Variant Classification Sherloc (09022015). Collection method: clinical testing. Allele origin: germline.
Comment: This sequence change replaces histidine, which is basic and polar, with asparagine, which is neutral and polar, at codon 989 of the ALK protein (p.His989Asn). This variant is not present in population databases (gnomAD no frequency). This variant has not been reported in the literature in individuals affected with ALK-related conditions. An algorithm developed to predict the effect of missense changes on protein structure and function (PolyPhen-2) suggests that this variant is likely to be tolerated. In summary, the available evidence is currently insufficient to determine the role of this variant in disease. Therefore, it has been classified as a Variant of Uncertain Significance.